The following is an entry in ClinVar:

NM_005529.7(HSPG2):c.3656+1G>A

Gene: HSPG2 (heparan sulfate proteoglycan 2; minus strand). Cytogenetic location: 1p36.12.
Variant type: single nucleotide variant.
Coding change: c.3656+1G>A on transcript NM_005529.7 (MANE Select); the canonical splice donor site of the intron after coding-DNA position 3656, G replaced by A.
Molecular consequence: splice donor variant.
Genome position (GRCh38, 1-based): chr1:21,874,405, C>T on the plus strand (G>A on the coding strand, the complement: HSPG2 is on the minus strand). VCF-style: chr1-21874405-C-T. GRCh37 (hg19) VCF-style: chr1-22200898-C-T.
Other names: c.3659+1G>A (NM_001291860.2).
Identifiers: ClinVar variation 4819064 (VCV004819064.1).

ClinVar aggregate classification (germline): Likely pathogenic (1 of 4 stars; one submission).

Conditions:
Lethal Kniest-like syndrome (DDSH). Also called: Dyssegmental Dysplasia. Identifiers: Orphanet 1865, MedGen C1857100, MONDO:0009140, OMIM 224410.

gnomAD v4.1: 3 of 1,611,284 alleles (0.00019%); highest among the groups gnomAD compares: South Asian, 0.0011%; no homozygotes.

Submission:

Victorian Clinical Genetics Services, Murdoch Childrens Research Institute
Classification: Likely pathogenic for Lethal Kniest-like syndrome. Last evaluated: 2026-01-22. Review status: criteria provided, single submitter. Criteria: ACMG Guidelines, 2015. Collection method: clinical testing. Allele origin: germline.
Comment: This variant is classified as Likely pathogenic. Evidence in support of pathogenic classification: Canonical splice site variant without proven consequence on splicing (no functional evidence available); Variant is present in gnomAD <0.01 for a recessive condition (v4: 3 heterozygote(s), 0 homozygote(s)); Abnormal splicing is predicted by in silico tool and affected nucleotide is highly conserved. Additional information: This variant is heterozygous; This gene is associated with autosomal recessive disease; This variant has no previous evidence of pathogenicity; No published evidence of segregation with disease has been identified for this variant; No published functional evidence has been identified for this variant; Loss of function is a known mechanism of disease in this gene and is associated with Silverman-Handmaker type dyssegmental dysplasia (MIM#224410) and Schwartz-Jampel syndrome, type 1 (MIM#255800); Inheritance information for this variant is not currently available in this individual.